The following is an entry in ClinVar:

NM_000256.3(MYBPC3):c.2906-1G>C

Gene: MYBPC3 (myosin binding protein C3; minus strand). Cytogenetic location: 11p11.2.
Variant type: single nucleotide variant.
Coding change: c.2906-1G>C on transcript NM_000256.3 (MANE Select); the canonical splice acceptor site of the intron before coding-DNA position 2906, G replaced by C.
Molecular consequence: splice acceptor variant.
Genome position (GRCh38, 1-based): chr11:47,334,011, C>G on the plus strand (G>C on the coding strand, the complement: MYBPC3 is on the minus strand). VCF-style: chr11-47334011-C-G. GRCh37 (hg19) VCF-style: chr11-47355562-C-G.
Identifiers: ClinVar variation 432151 (VCV000432151.2), dbSNP rs1409755826, ClinGen allele CA380316055.

ClinVar aggregate classification (germline): Likely pathogenic (1 of 4 stars; one submission).

Submission:

GeneDx
Classification: Likely pathogenic. Last evaluated: 2016-04-25. Review status: criteria provided, single submitter. Criteria: GeneDx Variant Classification (06012015). Collection method: clinical testing. Allele origin: germline. Affected: yes.
Comment: Although the c.2906-1 G>C variant has not been reported as a pathogenic variant or as a benign variant to our knowledge, it destroys the canonical splice acceptor site in intron 27 and is predicted to cause abnormal gene splicing. This variant is predicted to lead to either an abnormal message that is subject to nonsense-mediated mRNA decay, or to an abnormal protein product if the message is used for protein translation. Other splice site variants in the MYBPC3 gene have been reported in HGMD in association with HCM (Stenson et al., 2014). Furthermore, the c.2906-1 G>C variant was not observed in approximately 6,000 individuals of European and African American ancestry in the NHLBI Exome Sequencing Project, indicating it is not a common benign variant in these populations.In summary, c.2906-1 G>C in the MYBPC3 gene is expected to be pathogenic